The following is an entry in ClinVar:

ClinVar aggregate classification (germline): Likely benign. Review status: criteria provided, multiple submitters, no conflicts (2 of 4 stars). 2 submissions from 2 submitters: Likely benign (2). Last evaluated 2025-02-11.

Conditions:
USH1C-related disorder. Also called: USH1C-related condition.

Allele frequency attached by ClinVar (database versions not stated): ExAC 0.00001; gnomAD 0.00002; gnomAD exomes 0.00002 and 0.00004; TOPMed 0.00002.
gnomAD v4.1: 35 of 1,613,364 alleles (0.0022%); highest among the groups gnomAD compares: Admixed American, 0.01%; no homozygotes.

Submissions (2):

PreventionGenetics, part of Exact Sciences
Classification: Likely benign for USH1C-related condition. Last evaluated: 2025-02-11. Review status: criteria provided, single submitter. Criteria: ACMG Guidelines, 2015. Collection method: clinical testing. Allele origin: germline.
Comment: This variant is classified as likely benign based on ACMG/AMP sequence variant interpretation guidelines (Richards et al. 2015 PMID: 25741868, with internal and published modifications).

Labcorp Genetics (formerly Invitae), Labcorp
Classification: Likely benign. Last evaluated: 2019-12-31. Review status: criteria provided, single submitter. Criteria: Invitae Variant Classification Sherloc (09022015). Collection method: clinical testing. Allele origin: germline.

NM_153676.4(USH1C):c.1419T>C (p.Ser473=)

Gene: USH1C (USH1 protein network component harmonin; minus strand). Cytogenetic location: 11p15.1.
Variant type: single nucleotide variant.
Coding change: c.1419T>C on transcript NM_153676.4 (MANE Select); coding-DNA position 1419, T replaced by C.
Protein change: p.Ser473=; no amino-acid change (serine 473 retained).
Molecular consequence: synonymous variant. On other transcripts: intron variant (2).
Genome position (GRCh38, 1-based): chr11:17,510,516, A>G on the plus strand (T>C on the coding strand, the complement: USH1C is on the minus strand). VCF-style: chr11-17510516-A-G. GRCh37 (hg19) VCF-style: chr11-17532063-A-G.
Other names: c.1227+6885T>C (NM_001297764.2); c.1284+6885T>C (NM_005709.4); c.1419T>C (NM_153676.3).
Identifiers: ClinVar variation 734466 (VCV000734466.5), dbSNP rs772889885, ClinGen allele CA5904557.